The following is an entry in ClinVar:

ClinVar aggregate classification (germline): Likely benign. Review status: criteria provided, multiple submitters, no conflicts (2 of 4 stars). 2 submissions from 2 submitters: Likely benign (2). Last evaluated 2024-10-22.

Allele frequency attached by ClinVar (database versions not stated): gnomAD exomes below 0.00001 and 0.00001; ExAC 0.00002.
gnomAD v4.1: 5 of 1,611,976 alleles (0.00031%); highest among the groups gnomAD compares: Non-Finnish European, 0.00042%; no homozygotes.

Submissions (2):

Labcorp Genetics (formerly Invitae), Labcorp
Classification: Likely benign. Last evaluated: 2024-10-22. Review status: criteria provided, single submitter. Criteria: Invitae Variant Classification Sherloc (09022015). Collection method: clinical testing. Allele origin: germline.

GeneDx
Classification: Likely benign. Last evaluated: 2018-03-27. Review status: criteria provided, single submitter. Criteria: GeneDx Variant Classification (06012015). Collection method: clinical testing. Allele origin: germline. Affected: yes.
Comment: This variant is considered likely benign or benign based on one or more of the following criteria: it is a conservative change, it occurs at a poorly conserved position in the protein, it is predicted to be benign by multiple in silico algorithms, and/or has population frequency not consistent with disease.

NM_080680.3(COL11A2):c.2116-8T>C

Gene: COL11A2 (collagen type XI alpha 2 chain; minus strand). Cytogenetic location: 6p21.32.
Variant type: single nucleotide variant.
Coding change: c.2116-8T>C on transcript NM_080680.3 (MANE Select); 8 bases into the intron before coding-DNA position 2116, T replaced by C.
Molecular consequence: intron variant.
Genome position (GRCh38, 1-based): chr6:33,176,494, A>G on the plus strand (T>C on the coding strand, the complement: COL11A2 is on the minus strand). VCF-style: chr6-33176494-A-G. GRCh37 (hg19) VCF-style: chr6-33144271-A-G.
Other names: c.1795-8T>C (NM_080679.3); c.1858-8T>C (NM_080681.3).
Identifiers: ClinVar variation 681172 (VCV000681172.6), dbSNP rs778098198, ClinGen allele CA3751031.